The following is an entry in ClinVar:

ClinVar aggregate classification (germline): Uncertain significance (1 of 4 stars; one submission).

Conditions:
Epidermodysplasia verruciformis. Identifiers: Orphanet 302, MedGen C0014522, MONDO:0009176.

Submission:

Labcorp Genetics (formerly Invitae), Labcorp
Classification: Uncertain significance for Epidermodysplasia verruciformis. Last evaluated: 2023-11-27. Review status: criteria provided, single submitter. Criteria: Invitae Variant Classification Sherloc (09022015). Collection method: clinical testing. Allele origin: germline.
Comment: This sequence change replaces glycine, which is neutral and non-polar, with arginine, which is basic and polar, at codon 203 of the TMC6 protein (p.Gly203Arg). This variant is not present in population databases (gnomAD no frequency). This variant has not been reported in the literature in individuals affected with TMC6-related conditions. ClinVar contains an entry for this variant (Variation ID: 1354570). An algorithm developed to predict the effect of missense changes on protein structure and function (PolyPhen-2) suggests that this variant is likely to be tolerated. In summary, the available evidence is currently insufficient to determine the role of this variant in disease. Therefore, it has been classified as a Variant of Uncertain Significance.

NM_001127198.5(TMC6):c.607G>C (p.Gly203Arg)

Genes: TMC6 (transmembrane channel like 6; minus strand), LOC130061786 (ATAC-STARR-seq lymphoblastoid silent region 9039; plus strand). Cytogenetic location: 17q25.3.
Variant type: single nucleotide variant.
Coding change: c.607G>C on transcript NM_001127198.5 (MANE Select); coding-DNA position 607, G replaced by C.
Protein change: p.Gly203Arg; replaces glycine 203 with arginine.
Molecular consequence: missense variant. On other transcripts: non-coding transcript variant (3).
Genome position (GRCh38, 1-based): chr17:78,124,915, C>G on the plus strand (G>C on the coding strand, the complement: TMC6 is on the minus strand). VCF-style: chr17-78124915-C-G. GRCh37 (hg19) VCF-style: chr17-76120996-C-G.
Other names: c.607G>C, p.Gly203Arg (NM_001321185.1, NM_001374593.1, NM_001374594.1 and 4 more transcripts); short protein forms G203R.
Identifiers: ClinVar variation 1354570 (VCV001354570.6), dbSNP rs2145359465, ClinGen allele CA401233507.